The following is an entry in ClinVar:

ClinVar aggregate classification (germline): Uncertain significance (1 of 4 stars; one submission).

Conditions:
Paroxysmal nonkinesigenic dyskinesia. Also called: Paroxysmal non-kinesigenic dyskinesia. Identifiers: Orphanet 98810, MedGen C1869117, MONDO:0700088.

Submission:

Labcorp Genetics (formerly Invitae), Labcorp
Classification: Uncertain significance for Paroxysmal nonkinesigenic dyskinesia. Last evaluated: 2023-07-09. Review status: criteria provided, single submitter. Criteria: Invitae Variant Classification Sherloc (09022015). Collection method: clinical testing. Allele origin: germline.
Comment: This variant is not present in population databases (gnomAD no frequency). This sequence change falls in intron 4 of the PNKD gene. It does not directly change the encoded amino acid sequence of the PNKD protein. In summary, the available evidence is currently insufficient to determine the role of this variant in disease. Therefore, it has been classified as a Variant of Uncertain Significance. Algorithms developed to predict the effect of sequence changes on RNA splicing suggest that this variant may create or strengthen a splice site. This variant has not been reported in the literature in individuals affected with PNKD-related conditions.

NM_015488.5(PNKD):c.466-9C>G

Genes: CATIP-AS2 (CATIP antisense RNA 2; minus strand), PNKD (PNKD metallo-beta-lactamase domain containing; plus strand). Cytogenetic location: 2q35.
Variant type: single nucleotide variant.
Coding change: c.466-9C>G on transcript NM_015488.5 (MANE Select); 9 bases into the intron before coding-DNA position 466, C replaced by G.
Molecular consequence: intron variant.
Genome position (GRCh38, 1-based): chr2:218,340,719, C>G. VCF-style: chr2-218340719-C-G. GRCh37 (hg19) VCF-style: chr2-219205442-C-G.
Other names: c.394-9C>G (NM_022572.4).
Identifiers: ClinVar variation 2752071 (VCV002752071.3), dbSNP rs765454285, ClinGen allele CA65759190.